The following is an entry in ClinVar:

ClinVar aggregate classification (germline): Benign. Review status: reviewed by expert panel (3 of 4 stars). 9 submissions from 9 submitters: Benign (1). 8 of the submissions do not count toward it. Last evaluated 2024-09-18.

Conditions:
Monogenic diabetes. Identifiers: Orphanet 183625, MedGen C3888631, MONDO:0015967.
Fanconi renotubular syndrome 4 with maturity-onset diabetes of the young (FRTS4). Also called: FRTS4 WITH MODY. Identifiers: Orphanet 93111, MedGen C4014962, MONDO:0014458, OMIM 616026.
Maturity-onset diabetes of the young type 1. Also called: MILD JUVENILE DIABETES MELLITUS; HNF4A-Related Maturity-Onset Diabetes of the Young Type 1; MODY, type I; MODY type 1; Diabetes mellitus MODY type 1; MODY HNF4A related. Identifiers: Orphanet 552, MedGen C1852093, MONDO:0007452, OMIM 125850. Disease mechanism: loss of function.
Type 2 diabetes mellitus. Also called: Type II diabetes mellitus. Identifiers: MedGen C0011860, MeSH D003924, MONDO:0005148, OMIM 125853, HP:0005978.

Allele frequency attached by ClinVar (database versions not stated): ESP Exome Variant Server 0.00008; ExAC 0.00016; gnomAD 0.00018 and 0.00019; TOPMed 0.00019; gnomAD exomes 0.00021.
gnomAD v4.1: 714 of 1,614,086 alleles (0.044%); highest among the groups gnomAD compares: Non-Finnish European, 0.059%; no homozygotes.

Submissions (9):

ClinGen Monogenic Diabetes Variant Curation Expert Panel
Classification: Benign for Monogenic diabetes. Last evaluated: 2024-09-18. Review status: reviewed by expert panel. Criteria: ClinGen Diabetes ACMG Specifications HNF4A V2.0.0. Collection method: curation. Allele origin: germline. Inheritance: Autosomal dominant inheritance.
Comment: The c.724G>A variant in the hepatic nuclear factor 4-alpha gene, HNF4A, causes an amino acid change of valine to methionine at codon 242(p.(Val242Met)) of NM_175914.5. This variant has a Popmax Filtering allele frequency in gnomAD 2.1.1 of 0.0003423, which is greater than the MDEP threshold for BA1 (0.0001) (BA1). This variant is predicted to be deleterious by computational evidence, with a REVEL score of 0.81, which is greater than the MDEP VCEP threshold of 0.70 (PP3). Functional studies performed on this variant showed transactivation activity >= 75% of that of wildtype, providing evidence that the variant does not affect HNF4A function (BS3_Supporting; PMIDs: 15728204, 10666040, 10389854). In summary, c.724G>A meets the criteria to be classified as benign for monogenic diabetes. ACMG/AMP criteria applied, as specified by the ClinGen MDEP (specification version 2.0.0, approved 10/11/2023): BA1, PP3, BS3_Supporting.

Labcorp Genetics (formerly Invitae), Labcorp
Classification: Uncertain significance. Last evaluated: 2025-08-21. Review status: criteria provided, single submitter. Criteria: Invitae Variant Classification Sherloc (09022015). Collection method: clinical testing. Allele origin: germline. Not counted in ClinVar's aggregate classification.
Comment: This sequence change replaces valine, which is neutral and non-polar, with methionine, which is neutral and non-polar, at codon 242 of the HNF4A protein (p.Val242Met). This variant is present in population databases (rs139779712, gnomAD 0.04%), and has an allele count higher than expected for a pathogenic variant. This missense change has been observed in individual(s) with clinical features of maturity onset diabetes of the young (PMID: 9267996, 21062274, 24097065, 30191644, 31264968, 32041611). This variant is also known as Val/Met255, p.Val264Met and p.V239M. ClinVar contains an entry for this variant (Variation ID: 917409). Invitae Evidence Modeling of protein sequence and biophysical properties (such as structural, functional, and spatial information, amino acid conservation, physicochemical variation, residue mobility, and thermodynamic stability) has been performed for this missense variant. However, the output from this modeling did not meet the statistical confidence thresholds required to predict the impact of this variant on HNF4A protein function. Experimental studies have shown that this missense change affects HNF4A function (PMID: 10606640, 15728204). In summary, the available evidence is currently insufficient to determine the role of this variant in disease. Therefore, it has been classified as a Variant of Uncertain Significance.

ARUP Laboratories, Molecular Genetics and Genomics, ARUP Laboratories
Classification: Benign. Last evaluated: 2025-06-04. Review status: criteria provided, single submitter. Criteria: ARUP Molecular Germline Variant Investigation Process 2024. Collection method: clinical testing. Allele origin: germline. Not counted in ClinVar's aggregate classification.

Rare Kidney Stone Consortium and the Mayo Clinic Hyperoxaluria Center, Mayo Clinic
Classification: Uncertain significance for Fanconi renotubular syndrome 4 with maturity-onset diabetes of the young. Last evaluated: 2025-05-01. Review status: criteria provided, single submitter. Criteria: ACMG Guidelines, 2015. Collection method: research. Allele origin: germline. Not counted in ClinVar's aggregate classification.
Comment: ACMG: PS1

heterozygote

Women's Health and Genetics/Laboratory Corporation of America, LabCorp
Classification: Uncertain significance. Last evaluated: 2024-04-26. Review status: criteria provided, single submitter. Criteria: LabCorp Variant Classification Summary - May 2015. Collection method: clinical testing. Allele origin: germline. Not counted in ClinVar's aggregate classification.
Comment: Variant summary: HNF4A c.724G>A (p.Val242Met) results in a conservative amino acid change in the encoded protein sequence. Four of five in-silico tools predict a damaging effect of the variant on protein function. The variant allele was found at a frequency of 0.00021 in 251458 control chromosomes, predominantly at a frequency of 0.00044 within the Non-Finnish European subpopulation in the gnomAD database. The observed variant frequency within Non-Finnish European control individuals in the gnomAD database is approximately 141-fold of the estimated maximal expected allele frequency for a pathogenic variant in HNF4A causing Maturity Onset Diabetes Of The Young 1/Neonatal Diabetes Mellitus phenotype (3.1e-06), strongly suggesting that the variant is a benign polymorphism found primarily in populations of Non-Finnish European origin. c.724G>A has been reported in the literature in individuals affected with Maturity Onset Diabetes Of The Young 1/Neonatal Diabetes Mellitus without strong evidence of causality (e.g. Moller_1997, Flannick_2013). These reports do not provide unequivocal conclusions about association of the variant with Maturity Onset Diabetes Of The Young 1/Neonatal Diabetes Mellitus. Publications report experimental evidence evaluating an impact on protein function (Lausen_2000, Ek_2005). One of these studies found that the variant results in 76% of normal transactivation activity. The following publications have been ascertained in the context of this evaluation (PMID: 9267996, 10606640, 15728204, 24097065, 30191644, 31264968). ClinVar contains an entry for this variant (Variation ID: 917409). Based on the evidence outlined above, the variant was classified as uncertain significance.

Fulgent Genetics
Classification: Uncertain significance for Maturity-onset diabetes of the young type 1; Type 2 diabetes mellitus; Fanconi renotubular syndrome 4 with maturity-onset diabetes of the young. Last evaluated: 2024-03-25. Review status: criteria provided, single submitter. Criteria: ACMG Guidelines, 2015. Collection method: clinical testing. Allele origin: germline. Not counted in ClinVar's aggregate classification.

GeneDx
Classification: Uncertain significance. Last evaluated: 2022-06-21. Review status: criteria provided, single submitter. Criteria: GeneDx Variant Classification Process June 2021. Collection method: clinical testing. Allele origin: germline. Affected: yes. Not counted in ClinVar's aggregate classification.
Comment: Reported in unrelated patients with type 1 or type 2 diabetes (Elk et al., 2005; Jafar-Mohammadi et al., 2011; Johnson et al., 2019; Yu et al., 2019) in published literature as well as reported as a polymorphism (Anuradha et al., 2011); In silico analysis supports that this missense variant has a deleterious effect on protein structure/function; This variant is associated with the following publications: (PMID: 15728204, 9267996, 10606640, 10389854, 34805638, 20878384, 24097065, 26552609, 30191644, 31264968, 32041611, 21062274)

Personalized Diabetes Medicine Program, University of Maryland School of Medicine
Classification: Uncertain significance for Monogenic diabetes. Last evaluated: 2018-01-19. Review status: criteria provided, single submitter. Criteria: ACMG Guidelines, 2015. Collection method: research. Allele origin: unknown. Observed: 2 variant alleles, 2 heterozygotes. Not counted in ClinVar's aggregate classification.
Comment: ACMG criteria: PP3 (9 predictors), BS3 (PMID: 10389854 and 10606640)=VUS

Genomics And Bioinformatics Analysis Resource, Columbia University
Classification: Likely pathogenic for Maturity-onset diabetes of the young type 1. Review status: no assertion criteria provided. Collection method: research. Allele origin: unknown. Affected: yes. Not counted in ClinVar's aggregate classification.

Literature cited by the submitters: PubMed 10389854 (cited by ClinGen Monogenic Diabetes Variant Curation Expert Panel); PubMed 10606640 (cited by 4 submitters); PubMed 15728204 (cited by 4 submitters); PubMed 9267996 (cited by 3 submitters); PubMed 21062274 (cited by Labcorp Genetics (formerly Invitae), Labcorp and Rare Kidney Stone Consortium and the Mayo Clinic Hyperoxaluria Center, Mayo Clinic); PubMed 24097065 (cited by 3 submitters); PubMed 30191644 (cited by 3 submitters); PubMed 31264968 (cited by 3 submitters); PubMed 32041611 (cited by Labcorp Genetics (formerly Invitae), Labcorp and Rare Kidney Stone Consortium and the Mayo Clinic Hyperoxaluria Center, Mayo Clinic); PubMed 38057357 (cited by Rare Kidney Stone Consortium and the Mayo Clinic Hyperoxaluria Center, Mayo Clinic); PubMed 34805638 (cited by Rare Kidney Stone Consortium and the Mayo Clinic Hyperoxaluria Center, Mayo Clinic); PubMed 30476936 (cited by Rare Kidney Stone Consortium and the Mayo Clinic Hyperoxaluria Center, Mayo Clinic); PubMed 20878384 (cited by Rare Kidney Stone Consortium and the Mayo Clinic Hyperoxaluria Center, Mayo Clinic).

NM_175914.5(HNF4A):c.724G>A (p.Val242Met)

Gene: HNF4A (hepatocyte nuclear factor 4 alpha; plus strand). Cytogenetic location: 20q13.12.
Variant type: single nucleotide variant.
Coding change: c.724G>A on transcript NM_175914.5 (MANE Select); coding-DNA position 724, G replaced by A.
Protein change: p.Val242Met; replaces valine 242 with methionine.
Molecular consequence: missense variant.
Genome position (GRCh38, 1-based): chr20:44,419,774, G>A. VCF-style: chr20-44419774-G-A. GRCh37 (hg19) VCF-style: chr20-43048414-G-A.
Other names: NM_175914.5(HNF4A):c.724G>A; p.Val242Met; c.769G>A, p.Val257Met (NM_001258355.2); c.715G>A, p.Val239Met (NM_001287182.2, NM_001287183.2, NM_001287184.2); c.790G>A, p.Val264Met (NM_178849.3, NM_178850.3, NM_000457.6); c.724G>A (NM_175914.4); c.724G>A, p.Val242Met (NM_001030003.3, NM_001030004.3); short protein forms V239M, V242M, V257M, V264M.
Identifiers: ClinVar variation 917409 (VCV000917409.16), dbSNP rs139779712, ClinGen allele CA9870370.